The following is an entry in ClinVar:

NM_018026.4(PACS1):c.915C>A (p.Asp305Glu)

Gene: PACS1 (phosphofurin acidic cluster sorting protein 1; plus strand). Cytogenetic location: 11q13.2.
Variant type: single nucleotide variant.
Coding change: c.915C>A on transcript NM_018026.4 (MANE Select); coding-DNA position 915, C replaced by A.
Protein change: p.Asp305Glu; replaces aspartic acid 305 with glutamic acid.
Molecular consequence: missense variant.
Genome position (GRCh38, 1-based): chr11:66,216,712, C>A. VCF-style: chr11-66216712-C-A. GRCh37 (hg19) VCF-style: chr11-65984183-C-A.
Other names: short protein forms D305E.
Identifiers: ClinVar variation 2847974 (VCV002847974.3), dbSNP rs765029225, ClinGen allele CA381351133.

ClinVar aggregate classification (germline): Uncertain significance (1 of 4 stars; one submission).

Conditions:
Schuurs-Hoeijmakers syndrome. Also called: PACS1-Related Neurodevelopmental Disorder. Identifiers: Orphanet 329224, MedGen C3554343, MONDO:0014006, OMIM 615009.

gnomAD v4.1: 2 of 1,613,818 alleles (0.00012%); highest among the groups gnomAD compares: South Asian, 0.0022%; no homozygotes.

Submission:

Labcorp Genetics (formerly Invitae), Labcorp
Classification: Uncertain significance for Schuurs-Hoeijmakers syndrome. Last evaluated: 2024-05-15. Review status: criteria provided, single submitter. Criteria: Invitae Variant Classification Sherloc (09022015). Collection method: clinical testing. Allele origin: germline.
Comment: This sequence change replaces aspartic acid, which is acidic and polar, with glutamic acid, which is acidic and polar, at codon 305 of the PACS1 protein (p.Asp305Glu). This variant is not present in population databases (gnomAD no frequency). This variant has not been reported in the literature in individuals affected with PACS1-related conditions. Advanced modeling of protein sequence and biophysical properties (such as structural, functional, and spatial information, amino acid conservation, physicochemical variation, residue mobility, and thermodynamic stability) performed at Invitae indicates that this missense variant is not expected to disrupt PACS1 protein function with a negative predictive value of 80%. In summary, the available evidence is currently insufficient to determine the role of this variant in disease. Therefore, it has been classified as a Variant of Uncertain Significance.